The following is an entry in ClinVar:

ClinVar aggregate classification (germline): Benign/Likely benign. Review status: criteria provided, multiple submitters, no conflicts (2 of 4 stars). 3 submissions from 3 submitters: Benign (1); Likely benign (2). Last evaluated 2025-07-22.

Conditions:
Familial thoracic aortic aneurysm and aortic dissection (TAAD). Also called: Thoracic aortic aneurysms and dissections. Identifiers: Orphanet 91387, MedGen C4707243, MONDO:0019625.
Congenital contractural arachnodactyly (CCA). Also called: BEALS SYNDROME; Beals-Hecht syndrome; Arthrogryposis, distal, type 9. Identifiers: Orphanet 115, MedGen C0220668, MONDO:0007363, OMIM 121050.

Allele frequency attached by ClinVar (database versions not stated): gnomAD 0.00010; TOPMed 0.00011.
gnomAD v4.1: 37 of 1,613,178 alleles (0.0023%); highest among the groups gnomAD compares: East Asian, 0.074%; no homozygotes.

Submissions (3):

Labcorp Genetics (formerly Invitae), Labcorp
Classification: Benign for Congenital contractural arachnodactyly. Last evaluated: 2025-07-22. Review status: criteria provided, single submitter. Criteria: Invitae Variant Classification Sherloc (09022015). Collection method: clinical testing. Allele origin: germline.

Ambry Genetics
Classification: Likely benign for Familial thoracic aortic aneurysm and aortic dissection. Last evaluated: 2023-12-11. Review status: criteria provided, single submitter. Criteria: Ambry Variant Classification Scheme 2023. Collection method: clinical testing. Allele origin: germline.

GeneDx
Classification: Likely benign. Last evaluated: 2016-10-25. Review status: criteria provided, single submitter. Criteria: GeneDx Variant Classification (06012015). Collection method: clinical testing. Allele origin: germline. Affected: yes.
Comment: This variant is considered likely benign or benign based on one or more of the following criteria: it is a conservative change, it occurs at a poorly conserved position in the protein, it is predicted to be benign by multiple in silico algorithms, and/or has population frequency not consistent with disease.

NM_001999.4(FBN2):c.2856G>T (p.Thr952=)

Gene: FBN2 (fibrillin 2; minus strand). Cytogenetic location: 5q23.3.
Variant type: single nucleotide variant.
Coding change: c.2856G>T on transcript NM_001999.4 (MANE Select); coding-DNA position 2856, G replaced by T.
Protein change: p.Thr952=; no amino-acid change (threonine 952 retained).
Molecular consequence: synonymous variant.
Genome position (GRCh38, 1-based): chr5:128,349,962, C>A on the plus strand (G>T on the coding strand, the complement: FBN2 is on the minus strand). VCF-style: chr5-128349962-C-A. GRCh37 (hg19) VCF-style: chr5-127685654-C-A.
Identifiers: ClinVar variation 390204 (VCV000390204.8), dbSNP rs556038110, ClinGen allele CA3395426.